The following is an entry in ClinVar:

ClinVar aggregate classification (germline): Uncertain significance (1 of 4 stars; one submission).

Conditions:
Hereditary cancer-predisposing syndrome. Also called: Neoplastic Syndromes, Hereditary; Tumor predisposition; Hereditary Cancer Syndrome; Hereditary neoplastic syndrome. Identifiers: Orphanet 140162, MedGen C0027672, MeSH D009386, MONDO:0015356.

Submission:

Ambry Genetics
Classification: Uncertain significance for Hereditary cancer-predisposing syndrome. Last evaluated: 2026-03-20. Review status: criteria provided, single submitter. Criteria: Ambry Variant Classification Scheme 2023. Collection method: clinical testing. Allele origin: germline.
Comment: The p.Q419H variant (also known as c.1257G>C), located in coding exon 4 of the MSH6 gene, results from a G to C substitution at nucleotide position 1257. The glutamine at codon 419 is replaced by histidine, an amino acid with highly similar properties. This amino acid position is well conserved in available vertebrate species. In addition, the in silico prediction for this alteration is inconclusive. Based on the available evidence, the clinical significance of this variant remains unclear.

NM_000179.3(MSH6):c.1257G>C (p.Gln419His)

Gene: MSH6 (mutS homolog 6; plus strand). Cytogenetic location: 2p16.3.
Variant type: single nucleotide variant.
Coding change: c.1257G>C on transcript NM_000179.3 (MANE Select); coding-DNA position 1257, G replaced by C.
Protein change: p.Gln419His; replaces glutamine 419 with histidine.
Molecular consequence: missense variant. On other transcripts: non-coding transcript variant (4), intron variant (1).
Genome position (GRCh38, 1-based): chr2:47,799,240, G>C. VCF-style: chr2-47799240-G-C. GRCh37 (hg19) VCF-style: chr2-48026379-G-C.
Other names: c.867G>C, p.Gln289His (NM_001281492.2); c.351G>C, p.Gln117His (NM_001281493.2, NM_001281494.2, NM_001406823.1 and 6 more transcripts); c.1353G>C, p.Gln451His (NM_001406795.1, NM_001406802.1); c.1257G>C, p.Gln419His (NM_001406796.1, NM_001406798.1, NM_001406800.1 and 4 more transcripts); c.960G>C, p.Gln320His (NM_001406797.1, NM_001406801.1, NM_001406822.1 and 10 more transcripts); c.732G>C, p.Gln244His (NM_001406799.1, NM_001406806.1, NM_001406807.1); c.1089G>C, p.Gln363His (NM_001406826.1); c.628-1426G>C (NM_001407362.1); and 2 more; short protein forms Q117H, Q244H, Q289H, Q320H, Q363H, Q393H, Q419H, Q421H.
Identifiers: ClinVar variation 4860372 (VCV004860372.1).